The following is an entry in ClinVar:

NM_014502.5(PRPF19):c.104C>T (p.Ala35Val)

Gene: PRPF19 (pre-mRNA processing factor 19; minus strand). Cytogenetic location: 11q12.2.
Variant type: single nucleotide variant.
Coding change: c.104C>T on transcript NM_014502.5 (MANE Select); coding-DNA position 104, C replaced by T.
Protein change: p.Ala35Val; replaces alanine 35 with valine.
Molecular consequence: missense variant.
Genome position (GRCh38, 1-based): chr11:60,903,777, G>A on the plus strand (C>T on the coding strand, the complement: PRPF19 is on the minus strand). VCF-style: chr11-60903777-G-A. GRCh37 (hg19) VCF-style: chr11-60671249-G-A.
Other names: short protein forms A35V.
Identifiers: ClinVar variation 4628467 (VCV004628467.1).

ClinVar aggregate classification (germline): Uncertain significance (1 of 4 stars; one submission).

Conditions:
Inborn genetic diseases. Identifiers: MedGen C0950123, MeSH D030342.

gnomAD v4.1: 7 of 1,605,044 alleles (0.00044%); highest among the groups gnomAD compares: Non-Finnish European, 0.00059%; no homozygotes.

Submission:

Ambry Genetics
Classification: Uncertain significance for Inborn genetic diseases. Last evaluated: 2025-10-29. Review status: criteria provided, single submitter. Criteria: Ambry Variant Classification Scheme 2023. Collection method: clinical testing. Allele origin: germline.
Comment: The c.104C>T (p.A35V) alteration is located in exon 2 (coding exon 2) of the PRPF19 gene. This alteration results from a C to T substitution at nucleotide position 104, causing the alanine (A) at amino acid position 35 to be replaced by a valine (V). Based on data from gnomAD, the T allele has an overall frequency of <0.001% (1/242120) total alleles studied. The highest observed frequency was 0.001% (1/111422) of European (non-Finnish) alleles. Based on insufficient or conflicting evidence, the clinical significance of this alteration remains unclear.